The following is an entry in ClinVar:

NM_004655.4(AXIN2):c.386G>A (p.Arg129Gln)

Gene: AXIN2 (axin 2; minus strand). Cytogenetic location: 17q24.1.
Variant type: single nucleotide variant.
Coding change: c.386G>A on transcript NM_004655.4 (MANE Select); coding-DNA position 386, G replaced by A.
Protein change: p.Arg129Gln; replaces arginine 129 with glutamine.
Molecular consequence: missense variant.
Genome position (GRCh38, 1-based): chr17:65,558,235, C>T on the plus strand (G>A on the coding strand, the complement: AXIN2 is on the minus strand). VCF-style: chr17-65558235-C-T. GRCh37 (hg19) VCF-style: chr17-63554353-C-T.
Other names: c.386G>A, p.Arg129Gln (NM_001363813.1); short protein forms R129Q.
Identifiers: ClinVar variation 3653758 (VCV003653758.2).

ClinVar aggregate classification (germline): Uncertain significance (1 of 4 stars; one submission).

Conditions:
Oligodontia-cancer predisposition syndrome. Also called: TOOTH AGENESIS-COLORECTAL CANCER SYNDROME. Identifiers: Orphanet 300576, MedGen C1837750, MONDO:0012075, OMIM 608615. Disease mechanism: loss of function.

Submission:

Labcorp Genetics (formerly Invitae), Labcorp
Classification: Uncertain significance for Oligodontia-cancer predisposition syndrome. Last evaluated: 2024-11-28. Review status: criteria provided, single submitter. Criteria: Invitae Variant Classification Sherloc (09022015). Collection method: clinical testing. Allele origin: germline.
Comment: This sequence change replaces arginine, which is basic and polar, with glutamine, which is neutral and polar, at codon 129 of the AXIN2 protein (p.Arg129Gln). This variant is not present in population databases (gnomAD no frequency). This variant has not been reported in the literature in individuals affected with AXIN2-related conditions. Invitae Evidence Modeling of protein sequence and biophysical properties (such as structural, functional, and spatial information, amino acid conservation, physicochemical variation, residue mobility, and thermodynamic stability) indicates that this missense variant is not expected to disrupt AXIN2 protein function with a negative predictive value of 80%. In summary, the available evidence is currently insufficient to determine the role of this variant in disease. Therefore, it has been classified as a Variant of Uncertain Significance.